The following is an entry in ClinVar:

ClinVar aggregate classification (germline): Uncertain significance (1 of 4 stars; one submission).

Conditions:
Tuberous sclerosis 2 (TSC2). Identifiers: Orphanet 805, MedGen C1860707, MONDO:0013199, OMIM 613254.

Submission:

Labcorp Genetics (formerly Invitae), Labcorp
Classification: Uncertain significance for Tuberous sclerosis 2. Last evaluated: 2023-02-14. Review status: criteria provided, single submitter. Criteria: Invitae Variant Classification Sherloc (09022015). Collection method: clinical testing. Allele origin: germline.
Comment: In summary, the available evidence is currently insufficient to determine the role of this variant in disease. Therefore, it has been classified as a Variant of Uncertain Significance. This sequence change replaces valine, which is neutral and non-polar, with methionine, which is neutral and non-polar, at codon 334 of the TSC2 protein (p.Val334Met). This variant is not present in population databases (gnomAD no frequency). This variant has not been reported in the literature in individuals affected with TSC2-related conditions. ClinVar contains an entry for this variant (Variation ID: 1001995). Advanced modeling of protein sequence and biophysical properties (such as structural, functional, and spatial information, amino acid conservation, physicochemical variation, residue mobility, and thermodynamic stability) performed at Invitae indicates that this missense variant is not expected to disrupt TSC2 protein function.

NM_000548.5(TSC2):c.1000G>A (p.Val334Met)

Gene: TSC2 (TSC complex subunit 2; plus strand). Cytogenetic location: 16p13.3.
Variant type: single nucleotide variant.
Coding change: c.1000G>A on transcript NM_000548.5 (MANE Select); coding-DNA position 1000, G replaced by A.
Protein change: p.Val334Met; replaces valine 334 with methionine.
Molecular consequence: missense variant.
Genome position (GRCh38, 1-based): chr16:2,060,694, G>A. VCF-style: chr16-2060694-G-A. GRCh37 (hg19) VCF-style: chr16-2110695-G-A.
Other names: c.1033G>A, p.Val345Met (NM_001318832.2); c.1000G>A, p.Val334Met (NM_001363528.2, NM_001370404.1, NM_001370405.1 and 3 more transcripts); c.889G>A, p.Val297Met (NM_001318827.2); c.853G>A, p.Val285Met (NM_001318829.2); c.400G>A, p.Val134Met (NM_001318831.2); short protein forms V134M, V285M, V297M, V334M, V345M.
Identifiers: ClinVar variation 1001995 (VCV001001995.8), dbSNP rs2086521360, ClinGen allele CA394317338.